The following is an entry in ClinVar:

ClinVar aggregate classification (germline): Uncertain significance. Review status: criteria provided, multiple submitters, no conflicts (2 of 4 stars). 2 submissions from 2 submitters: Uncertain significance (2). Last evaluated 2025-02-26.

Conditions:
Inborn genetic diseases. Identifiers: MedGen C0950123, MeSH D030342.
Glycogen storage disease due to muscle and heart glycogen synthase deficiency. Also called: MUSCLE GLYCOGEN SYNTHASE DEFICIENCY; GSD 0b. Identifiers: Orphanet 137625, MedGen C1969054, MONDO:0012693, OMIM 611556.

Allele frequency attached by ClinVar (database versions not stated): TOPMed 0.00003; gnomAD 0.00004; gnomAD exomes 0.00004; ExAC 0.00007.
gnomAD v4.1: 60 of 1,612,914 alleles (0.0037%); highest among the groups gnomAD compares: Non-Finnish European, 0.0045%; no homozygotes.

Submissions (2):

Ambry Genetics
Classification: Uncertain significance for Inborn genetic diseases. Last evaluated: 2025-02-26. Review status: criteria provided, single submitter. Criteria: Ambry Variant Classification Scheme 2023. Collection method: clinical testing. Allele origin: germline.

Labcorp Genetics (formerly Invitae), Labcorp
Classification: Uncertain significance for Glycogen storage disease due to muscle and heart glycogen synthase deficiency. Last evaluated: 2022-06-27. Review status: criteria provided, single submitter. Criteria: Invitae Variant Classification Sherloc (09022015). Collection method: clinical testing. Allele origin: germline.
Comment: This sequence change replaces alanine, which is neutral and non-polar, with valine, which is neutral and non-polar, at codon 27 of the GYS1 protein (p.Ala27Val). In summary, the available evidence is currently insufficient to determine the role of this variant in disease. Therefore, it has been classified as a Variant of Uncertain Significance. Algorithms developed to predict the effect of missense changes on protein structure and function (SIFT, PolyPhen-2, Align-GVGD) all suggest that this variant is likely to be tolerated. ClinVar contains an entry for this variant (Variation ID: 1064089). This variant has not been reported in the literature in individuals affected with GYS1-related conditions. This variant is present in population databases (rs759088871, gnomAD 0.009%).

NM_002103.5(GYS1):c.80C>T (p.Ala27Val)

Gene: GYS1 (glycogen synthase 1; minus strand). Cytogenetic location: 19q13.33.
Variant type: single nucleotide variant.
Coding change: c.80C>T on transcript NM_002103.5 (MANE Select); coding-DNA position 80, C replaced by T.
Protein change: p.Ala27Val; replaces alanine 27 with valine.
Molecular consequence: missense variant. On other transcripts: non-coding transcript variant (1).
Genome position (GRCh38, 1-based): chr19:48,993,033, G>A on the plus strand (C>T on the coding strand, the complement: GYS1 is on the minus strand). VCF-style: chr19-48993033-G-A. GRCh37 (hg19) VCF-style: chr19-49496290-G-A.
Other names: c.80C>T, p.Ala27Val (NM_001161587.2); c.80C>T (NM_002103.4); short protein forms A27V.
Identifiers: ClinVar variation 1064089 (VCV001064089.7), dbSNP rs759088871, ClinGen allele CA9563468.
Genomic context (GRCh38, chr19:48,993,033, plus strand): 5'-CCCCGACGCCTGGCGTGCTCACCCTTGTTAGCCACCTCCCAGGCCACTTCGAAGAGCACT[G>A]CGTTCTCCAGGTCGAATTCATCCTCCCAGTCCTCCAGTCCTGGCAGTGAGGACATGGACA-3'
Protein context (NP_002094.2, residues 17-37): DWEDEFDLEN[Ala27Val]VLFEVAWEVA